The following is an entry in ClinVar:

NM_001271.4(CHD2):c.2699G>C (p.Arg900Pro)

Gene: CHD2 (chromodomain helicase DNA binding protein 2; plus strand). Cytogenetic location: 15q26.1.
Variant type: single nucleotide variant.
Coding change: c.2699G>C on transcript NM_001271.4 (MANE Select); coding-DNA position 2699, G replaced by C.
Protein change: p.Arg900Pro; replaces arginine 900 with proline.
Molecular consequence: missense variant.
Genome position (GRCh38, 1-based): chr15:92,978,355, G>C. VCF-style: chr15-92978355-G-C. GRCh37 (hg19) VCF-style: chr15-93521585-G-C.
Other names: short protein forms R900P.
Identifiers: ClinVar variation 2636543 (VCV002636543.1), dbSNP rs1567149946, ClinGen allele CA393893919.

ClinVar aggregate classification (germline): Likely pathogenic (1 of 4 stars; one submission).

Conditions:
CHD2-related disorder. Also called: CHD2-related condition.

Submission:

PreventionGenetics, part of Exact Sciences
Classification: Likely pathogenic for CHD2-related condition. Last evaluated: 2022-09-23. Review status: criteria provided, single submitter. Criteria: ACMG Guidelines, 2015. Collection method: clinical testing. Allele origin: germline.
Comment: The CHD2 c.2699G>C variant is predicted to result in the amino acid substitution p.Arg900Pro. To our knowledge, this variant has not been reported in the literature or in a large population database, indicating this variant is rare. We interpret c.2699G>C (p.Arg900Pro) as likely pathogenic.